The following is an entry in ClinVar:

ClinVar aggregate classification (germline): Conflicting classifications of pathogenicity. Review status: criteria provided, conflicting classifications (1 of 4 stars). 5 submissions from 5 submitters: Uncertain significance (1); Likely benign (4). Last evaluated 2023-11-15.

Conditions:
Cardiovascular phenotype. Identifiers: MedGen CN230736.
Catecholaminergic polymorphic ventricular tachycardia (CVPT). Also called: Catecholamine-induced polymorphic ventricular tachycardia. Identifiers: Orphanet 3286, MedGen C5574922, MONDO:0017990.
Catecholaminergic polymorphic ventricular tachycardia 1. Also called: RYR2-Related Catecholaminergic Polymorphic Ventricular Tachycardia; VENTRICULAR TACHYCARDIA, STRESS-INDUCED POLYMORPHIC 1; VENTRICULAR TACHYCARDIA, CATECHOLAMINERGIC POLYMORPHIC, 1, WITH OR WITHOUT ATRIAL DYSFUNCTION AND/OR DILATED CARDIOMYOPATHY. Identifiers: Orphanet 3286, MedGen C1631597, MONDO:0011484, OMIM 604772.

Allele frequency attached by ClinVar (database versions not stated): gnomAD exomes 0.00001.
gnomAD v4.1: 3 of 1,613,788 alleles (0.00019%); highest among the groups gnomAD compares: East Asian, 0.0022%; no homozygotes.

Submissions (5):

Labcorp Genetics (formerly Invitae), Labcorp
Classification: Likely benign for Catecholaminergic polymorphic ventricular tachycardia 1. Last evaluated: 2023-11-15. Review status: criteria provided, single submitter. Criteria: Invitae Variant Classification Sherloc (09022015). Collection method: clinical testing. Allele origin: germline.

All of Us Research Program, National Institutes of Health
Classification: Uncertain significance for Catecholaminergic polymorphic ventricular tachycardia. Last evaluated: 2023-10-06. Review status: criteria provided, single submitter. Criteria: ACMG Guidelines, 2015. Collection method: clinical testing. Allele origin: germline. Inheritance: Autosomal dominant inheritance. Observed: 1 variant allele, 1 heterozygote.
Comment: This variant is located in the RYR2 protein. To our knowledge, functional studies have not been reported for this variant. This variant has not been reported in individuals affected with RYR2-related disorders in the literature. This variant has not been identified in the general population by the Genome Aggregation Database (gnomAD). The available evidence is insufficient to determine the role of this variant in disease conclusively. Therefore, this variant is classified as a Variant of Uncertain Significance.

This study involves interpretation of variants in research participants for the purpose of population health screening. Participant phenotype was not available at the time of variant classification. Additional details can be found in publication PMID: 35346344, PMCID: PMC8962531

Ambry Genetics
Classification: Likely benign for Cardiovascular phenotype. Last evaluated: 2023-06-17. Review status: criteria provided, single submitter. Criteria: Ambry Variant Classification Scheme 2023. Collection method: clinical testing. Allele origin: germline.

Blueprint Genetics
Classification: Likely benign. Last evaluated: 2022-07-04. Review status: criteria provided, single submitter. Criteria: ACMG Guidelines, 2015. Collection method: clinical testing. Allele origin: germline.

Laboratory for Molecular Medicine, Mass General Brigham Personalized Medicine
Classification: Likely benign. Last evaluated: 2015-04-01. Review status: criteria provided, single submitter. Criteria: LMM Criteria. Collection method: clinical testing. Allele origin: germline. Observed: 1 variant allele.
Comment: p.Leu2429Leu in exon 48 of RYR2: This variant is not expected to have clinical significance because it does not alter an amino acid residue. Splicing computati onal tools predict the possible creation of a novel splice site, but their accur acy is unknown. Although a role in disease cannot be fully excluded, this varian t is more likely benign.

NM_001035.3(RYR2):c.7287G>A (p.Leu2429=)

Gene: RYR2 (ryanodine receptor 2; plus strand). Cytogenetic location: 1q43.
Variant type: single nucleotide variant.
Coding change: c.7287G>A on transcript NM_001035.3 (MANE Select); coding-DNA position 7287, G replaced by A.
Protein change: p.Leu2429=; no amino-acid change (leucine 2429 retained).
Molecular consequence: synonymous variant.
Genome position (GRCh38, 1-based): chr1:237,643,392, G>A. VCF-style: chr1-237643392-G-A. GRCh37 (hg19) VCF-style: chr1-237806692-G-A.
Identifiers: ClinVar variation 227920 (VCV000227920.18), dbSNP rs876657578, ClinGen allele CA10576406.